The following is an entry in ClinVar:

NM_003321.5(TUFM):c.-34C>T

Genes: TUFM (Tu translation elongation factor, mitochondrial; minus strand), LOC130058735 (ATAC-STARR-seq lymphoblastoid active region 10645; plus strand). Cytogenetic location: 16p11.2.
Variant type: single nucleotide variant.
Coding change: c.-34C>T on transcript NM_003321.5 (MANE Select); 34 bases upstream of the start codon, C replaced by T.
Molecular consequence: 5 prime UTR variant.
Genome position (GRCh38, 1-based): chr16:28,846,303, G>A on the plus strand (C>T on the coding strand, the complement: TUFM is on the minus strand). VCF-style: chr16-28846303-G-A. GRCh37 (hg19) VCF-style: chr16-28857624-G-A.
Other names: c.-34C>T (NM_001365360.2).
Identifiers: ClinVar variation 137861 (VCV000137861.1), dbSNP rs368253111, ClinGen allele CA291541.
Genomic context (GRCh38, chr16:28,846,303, plus strand): 5'-CAGGGTGGCGGCCGCCATTGTGGTCATACTCGCGCCCCGGTAACCGGGGAGCCGGGACCA[G>A]GAGCCCGAGCGCACAGAAGAAGAAGGGCGCCTGCGGCTGGAAGGCACTTCCGGCGGAAGT-3'

ClinVar aggregate classification (germline): Benign (1 of 4 stars; one submission).

Allele frequency attached by ClinVar (database versions not stated): gnomAD exomes 0.00014; TOPMed 0.00016; ExAC 0.00018; ESP Exome Variant Server 0.00025; gnomAD 0.00026.
gnomAD v4.1: 528 of 1,546,056 alleles (0.034%); highest among the groups gnomAD compares: Non-Finnish European, 0.042%; no homozygotes.

Submission:

GeneDx
Classification: Benign. Last evaluated: 2012-11-28. Review status: criteria provided, single submitter. Criteria: GeneDx Variant Classification (06012015). Collection method: clinical testing. Allele origin: germline. Affected: yes.
Comment: This variant is considered likely benign or benign based on one or more of the following criteria: it is a conservative change, it occurs at a poorly conserved position in the protein, it is predicted to be benign by multiple in silico algorithms, and/or has population frequency not consistent with disease.